The following is an entry in ClinVar:

NM_198129.4(LAMA3):c.726T>A (p.Asn242Lys)

Gene: LAMA3 (laminin subunit alpha 3; plus strand). Cytogenetic location: 18q11.2.
Variant type: single nucleotide variant.
Coding change: c.726T>A on transcript NM_198129.4 (MANE Select); coding-DNA position 726, T replaced by A.
Protein change: p.Asn242Lys; replaces asparagine 242 with lysine.
Molecular consequence: missense variant. On other transcripts: non-coding transcript variant (1).
Genome position (GRCh38, 1-based): chr18:23,750,959, T>A. VCF-style: chr18-23750959-T-A. GRCh37 (hg19) VCF-style: chr18-21330923-T-A.
Other names: c.726T>A, p.Asn242Lys (NM_001127717.4, NM_001302996.2); c.726T>A (NM_198129.2); short protein forms N242K.
Identifiers: ClinVar variation 2240323 (VCV002240323.3), dbSNP rs2061739939, ClinGen allele CA402231894.
Genomic context (GRCh38, chr18:23,750,959, plus strand): 5'-GTGTGTGTGGTCATTTTAGGTTGTGGTGTCCTTGATAAACGGTCGTCCAGGTGCAAAAAA[T>A]TTTACTTTCTCTCACACCCTGAGGGAGTTTACCAAGGCAACAAACATCCGCTTGCGTTTT-3'
Protein context (NP_937762.2, residues 232-252): SLINGRPGAK[Asn242Lys]FTFSHTLREF

ClinVar aggregate classification (germline): Uncertain significance. Review status: criteria provided, multiple submitters, no conflicts (2 of 4 stars). 2 submissions from 2 submitters: Uncertain significance (2). Last evaluated 2025-07-14.

Conditions:
LAMA3-related disorder. Also called: LAMA3-related disorders; LAMA3-related condition.
Inborn genetic diseases. Identifiers: MedGen C0950123, MeSH D030342.

Allele frequency attached by ClinVar (database versions not stated): gnomAD exomes below 0.00001; gnomAD 0.00002; TOPMed 0.00003.
gnomAD v4.1: 5 of 1,613,926 alleles (0.00031%); highest among the groups gnomAD compares: Admixed American, 0.0067%; no homozygotes.

Submissions (2):

PreventionGenetics, part of Exact Sciences
Classification: Uncertain significance for LAMA3-related condition. Last evaluated: 2025-07-14. Review status: criteria provided, single submitter. Criteria: ACMG Guidelines, 2015. Collection method: clinical testing. Allele origin: germline.
Comment: The LAMA3 c.726T>A variant is predicted to result in the amino acid substitution p.Asn242Lys. To our knowledge, this variant has not been reported in the literature or in a large population database (gnomAD), indicating this variant is rare. At this time, the clinical significance of this variant is uncertain due to the absence of conclusive functional and genetic evidence.

Ambry Genetics
Classification: Uncertain significance for Inborn genetic diseases. Last evaluated: 2021-08-02. Review status: criteria provided, single submitter. Criteria: Ambry Variant Classification Scheme 2023. Collection method: clinical testing. Allele origin: germline.